The following is an entry in ClinVar:

ClinVar aggregate classification (germline): Uncertain significance (1 of 4 stars; one submission).

Allele frequency attached by ClinVar (database versions not stated): gnomAD exomes 0.00003; ExAC 0.00004; TOPMed below 0.00001; gnomAD 0.00001.
gnomAD v4.1: 47 of 1,613,122 alleles (0.0029%); highest among the groups gnomAD compares: Non-Finnish European, 0.0036%; no homozygotes.

Submission:

Labcorp Genetics (formerly Invitae), Labcorp
Classification: Uncertain significance. Last evaluated: 2022-02-05. Review status: criteria provided, single submitter. Criteria: Invitae Variant Classification Sherloc (09022015). Collection method: clinical testing. Allele origin: germline.
Comment: This sequence change replaces threonine, which is neutral and polar, with alanine, which is neutral and non-polar, at codon 1637 of the MPDZ protein (p.Thr1637Ala). This variant is present in population databases (rs751337843, gnomAD 0.009%). This variant has not been reported in the literature in individuals affected with MPDZ-related conditions. Algorithms developed to predict the effect of missense changes on protein structure and function (SIFT, PolyPhen-2, Align-GVGD) all suggest that this variant is likely to be disruptive. In summary, the available evidence is currently insufficient to determine the role of this variant in disease. Therefore, it has been classified as a Variant of Uncertain Significance.

NM_001378778.1(MPDZ):c.4909A>G (p.Thr1637Ala)

Gene: MPDZ (multiple PDZ domain crumbs cell polarity complex component; minus strand). Cytogenetic location: 9p23.
Variant type: single nucleotide variant.
Coding change: c.4909A>G on transcript NM_001378778.1 (MANE Select); coding-DNA position 4909, A replaced by G.
Protein change: p.Thr1637Ala; replaces threonine 1637 with alanine.
Molecular consequence: missense variant.
Genome position (GRCh38, 1-based): chr9:13,123,197, T>C on the plus strand (A>G on the coding strand, the complement: MPDZ is on the minus strand). VCF-style: chr9-13123197-T-C. GRCh37 (hg19) VCF-style: chr9-13123196-T-C.
Other names: c.4810A>G, p.Thr1604Ala (NM_001261406.2, NM_001261407.2, NM_001375416.1 and 3 more transcripts); c.4909A>G, p.Thr1637Ala (NM_001330637.2, NM_003829.5); c.5008A>G, p.Thr1670Ala (NM_001375413.1); c.4699A>G, p.Thr1567Ala (NM_001375420.1, NM_001375421.1, NM_001375422.1 and 4 more transcripts); c.4501A>G, p.Thr1501Ala (NM_001375427.1); short protein forms T1670A, T1567A, T1637A, T1501A, T1604A.
Identifiers: ClinVar variation 1479749 (VCV001479749.5), dbSNP rs751337843, ClinGen allele CA4986531.